The following is an entry in ClinVar:

ClinVar aggregate classification (germline): Uncertain significance (1 of 4 stars; one submission).

gnomAD v4.1: 2 of 1,613,726 alleles (0.00012%); highest among the groups gnomAD compares: Non-Finnish European, 0.00017%; no homozygotes.

Submission:

CeGaT Center for Human Genetics Tuebingen
Classification: Uncertain significance. Last evaluated: 2022-11-01. Review status: criteria provided, single submitter. Criteria: CeGaT Center For Human Genetics Tuebingen Variant Classification Criteria Version 2. Collection method: clinical testing. Allele origin: germline. Affected: yes. Observed: 1 variant allele.
Comment: CNOT1: PM2, PP2

NM_016284.5(CNOT1):c.2463G>T (p.Gln821His)

Gene: CNOT1 (CCR4-NOT transcription complex subunit 1; minus strand). Cytogenetic location: 16q21.
Variant type: single nucleotide variant.
Coding change: c.2463G>T on transcript NM_016284.5 (MANE Select); coding-DNA position 2463, G replaced by T.
Protein change: p.Gln821His; replaces glutamine 821 with histidine.
Molecular consequence: missense variant. On other transcripts: non-coding transcript variant (1).
Genome position (GRCh38, 1-based): chr16:58,556,863, C>A on the plus strand (G>T on the coding strand, the complement: CNOT1 is on the minus strand). VCF-style: chr16-58556863-C-A. GRCh37 (hg19) VCF-style: chr16-58590767-C-A.
Other names: c.2463G>T, p.Gln821His (NM_001265612.2, NM_206999.3); short protein forms Q821H.
Identifiers: ClinVar variation 2646579 (VCV002646579.24), dbSNP rs2543964210, ClinGen allele CA396130890.